The following is an entry in ClinVar:

NM_000701.8(ATP1A1):c.1241C>T (p.Thr414Ile)

Gene: ATP1A1 (ATPase Na+/K+ transporting subunit alpha 1; plus strand). Cytogenetic location: 1p13.1.
Variant type: single nucleotide variant.
Coding change: c.1241C>T on transcript NM_000701.8 (MANE Select); coding-DNA position 1241, C replaced by T.
Protein change: p.Thr414Ile; replaces threonine 414 with isoleucine.
Molecular consequence: missense variant.
Genome position (GRCh38, 1-based): chr1:116,390,800, C>T. VCF-style: chr1-116390800-C-T. GRCh37 (hg19) VCF-style: chr1-116933422-C-T.
Other names: c.1241C>T, p.Thr414Ile (NM_001160233.2); c.1148C>T, p.Thr383Ile (NM_001160234.2); short protein forms T414I, T383I.
Identifiers: ClinVar variation 2706013 (VCV002706013.3), dbSNP rs2525841369, ClinGen allele CA341844774.

ClinVar aggregate classification (germline): Uncertain significance (1 of 4 stars; one submission).

gnomAD v4.1: 1 of 1,614,168 alleles (0.000062%); highest among the groups gnomAD compares: East Asian, 0.0022%; no homozygotes.

Submission:

Labcorp Genetics (formerly Invitae), Labcorp
Classification: Uncertain significance. Last evaluated: 2023-12-28. Review status: criteria provided, single submitter. Criteria: Invitae Variant Classification Sherloc (09022015). Collection method: clinical testing. Allele origin: germline.
Comment: This sequence change replaces threonine, which is neutral and polar, with isoleucine, which is neutral and non-polar, at codon 414 of the ATP1A1 protein (p.Thr414Ile). This variant is not present in population databases (gnomAD no frequency). This variant has not been reported in the literature in individuals affected with ATP1A1-related conditions. Advanced modeling of protein sequence and biophysical properties (such as structural, functional, and spatial information, amino acid conservation, physicochemical variation, residue mobility, and thermodynamic stability) performed at Invitae indicates that this missense variant is not expected to disrupt ATP1A1 protein function with a negative predictive value of 80%. In summary, the available evidence is currently insufficient to determine the role of this variant in disease. Therefore, it has been classified as a Variant of Uncertain Significance.